The following is an entry in ClinVar:

NM_206933.4(USH2A):c.14635A>G (p.Thr4879Ala)

Gene: USH2A (usherin; minus strand). Cytogenetic location: 1q41.
Variant type: single nucleotide variant.
Coding change: c.14635A>G on transcript NM_206933.4 (MANE Select); coding-DNA position 14635, A replaced by G.
Protein change: p.Thr4879Ala; replaces threonine 4879 with alanine.
Molecular consequence: missense variant.
Genome position (GRCh38, 1-based): chr1:215,647,678, T>C on the plus strand (A>G on the coding strand, the complement: USH2A is on the minus strand). VCF-style: chr1-215647678-T-C. GRCh37 (hg19) VCF-style: chr1-215821020-T-C.
Other names: short protein forms T4879A.
Identifiers: ClinVar variation 1443074 (VCV001443074.7), dbSNP rs745580452, ClinGen allele CA1392958.

ClinVar aggregate classification (germline): Uncertain significance. Review status: criteria provided, multiple submitters, no conflicts (2 of 4 stars). 4 submissions from 3 submitters: Uncertain significance (4). Last evaluated 2024-02-17.

Conditions:
Retinitis pigmentosa 39 (RP39). Identifiers: Orphanet 791, MedGen C3151138, MONDO:0013436, OMIM 613809.
Usher syndrome type 2A. Also called: USHER SYNDROME, TYPE IIA; RETINAL DISEASE IN USHER SYNDROME TYPE IIA, MODIFIER OF. Identifiers: Orphanet 231178, Orphanet 886, MedGen C1848634, MONDO:0010169, OMIM 276901.

Allele frequency attached by ClinVar (database versions not stated): gnomAD exomes below 0.00001; ExAC 0.00001; TOPMed 0.00001.
gnomAD v4.1: 2 of 1,614,036 alleles (0.00012%); highest among the groups gnomAD compares: Admixed American, 0.0017%; no homozygotes.

Submissions (4):

Labcorp Genetics (formerly Invitae), Labcorp
Classification: Uncertain significance. Last evaluated: 2024-02-17. Review status: criteria provided, single submitter. Criteria: Invitae Variant Classification Sherloc (09022015). Collection method: clinical testing. Allele origin: germline.
Comment: This sequence change replaces threonine, which is neutral and polar, with alanine, which is neutral and non-polar, at codon 4879 of the USH2A protein (p.Thr4879Ala). This variant is present in population databases (rs745580452, gnomAD 0.003%). This variant has not been reported in the literature in individuals affected with USH2A-related conditions. ClinVar contains an entry for this variant (Variation ID: 1443074). Advanced modeling of protein sequence and biophysical properties (such as structural, functional, and spatial information, amino acid conservation, physicochemical variation, residue mobility, and thermodynamic stability) performed at Invitae indicates that this missense variant is not expected to disrupt USH2A protein function with a negative predictive value of 95%. In summary, the available evidence is currently insufficient to determine the role of this variant in disease. Therefore, it has been classified as a Variant of Uncertain Significance.

Genome-Nilou Lab
Classification: Uncertain significance for Retinitis pigmentosa 39. Last evaluated: 2023-11-04. Review status: criteria provided, single submitter. Criteria: ACMG Guidelines, 2015. Collection method: clinical testing. Allele origin: germline. Affected: no.

Genome-Nilou Lab
Classification: Uncertain significance for Usher syndrome type 2A. Last evaluated: 2023-11-04. Review status: criteria provided, single submitter. Criteria: ACMG Guidelines, 2015. Collection method: clinical testing. Allele origin: germline. Affected: no.

GeneDx
Classification: Uncertain significance. Last evaluated: 2022-05-27. Review status: criteria provided, single submitter. Criteria: GeneDx Variant Classification Process June 2021. Collection method: clinical testing. Allele origin: germline. Affected: yes.
Comment: Not observed at significant frequency in large population cohorts (gnomAD); In silico analysis supports that this missense variant does not alter protein structure/function; Has not been previously published as pathogenic or benign to our knowledge